The following is an entry in ClinVar:

NM_000136.3(FANCC):c.1155-14T>G

Genes: AOPEP (aminopeptidase O (putative); plus strand), FANCC (FA complementation group C; minus strand). Cytogenetic location: 9q22.32.
Variant type: single nucleotide variant.
Coding change: c.1155-14T>G on transcript NM_000136.3 (MANE Select); 14 bases into the intron before coding-DNA position 1155, T replaced by G.
Molecular consequence: intron variant.
Genome position (GRCh38, 1-based): chr9:95,111,651, A>C on the plus strand (T>G on the coding strand, the complement: FANCC is on the minus strand). VCF-style: chr9-95111651-A-C. GRCh37 (hg19) VCF-style: chr9-97873933-A-C.
Other names: c.1155-14T>G (NM_001243743.2, NM_001243744.2).
Identifiers: ClinVar variation 1049738 (VCV001049738.11), dbSNP rs2134552606, ClinGen allele CA2499220004.
Genomic context (GRCh38, chr9:95,111,651, plus strand): 5'-CGAAGTGAATGAACAGGAACCAGCTCTCAAAGGGACCTCCGCAGGACCTGGAACAGAGGC[A>C]GAACACATGGCAGTTGACAACCTAAATTCTTCTTCCTTTGGGTTTTTAAAGCAACTTTAA-3'

ClinVar aggregate classification (germline): Likely benign. Review status: criteria provided, multiple submitters, no conflicts (2 of 4 stars). 3 submissions from 3 submitters: Likely benign (2). 1 of the submissions does not count toward it. Last evaluated 2023-07-20.

Conditions:
Fanconi anemia (FA). Also called: Fanconi's anemia. Identifiers: Orphanet 84, MedGen C0015625, MeSH D005199, MONDO:0019391.
Malignant tumor of breast. Also called: Malignant breast neoplasm; Cancer breast. Identifiers: MedGen C0006142, MONDO:0007254. Disease mechanism: loss of function.

Submissions (3):

Labcorp Genetics (formerly Invitae), Labcorp
Classification: Likely benign for Fanconi anemia. Last evaluated: 2023-07-20. Review status: criteria provided, single submitter. Criteria: Invitae Variant Classification Sherloc (09022015). Collection method: clinical testing. Allele origin: germline.

Blueprint Genetics
Classification: Likely benign. Last evaluated: 2020-12-31. Review status: criteria provided, single submitter. Criteria: ACMG Guidelines, 2015. Collection method: clinical testing. Allele origin: germline.

Department of Pathology and Laboratory Medicine, Sinai Health System
Classification: Uncertain significance for Malignant tumor of breast. Review status: no assertion criteria provided. Collection method: clinical testing. Allele origin: unknown. Affected: yes. Observed: 1 variant allele. Study: The Canadian Open Genetics Repository (COGR). Not counted in ClinVar's aggregate classification.
Comment: The FANCC c.1155-14T>G variant was not identified in the literature nor was it identified in the dbSNP, ClinVar, Cosmic, or LOVD 3.0 databases. The variant was not identified in the following control databases: the 1000 Genomes Project, the NHLBI GO Exome Sequencing Project, the Exome Aggregation Consortium (August 8th 2016), or the Genome Aggregation Database (Feb 27, 2017). The variant occurs outside of the splicing consensus sequence and 4 of 4 in silico or computational prediction software programs (SpliceSiteFinder, MaxEntScan, NNSPLICE, GeneSplicer) do not predict a difference in splicing. In summary, based on the above information, the clinical significance of this variant cannot be determined with certainty at this time. This variant is classified as a variant of uncertain significance.